The following is an entry in ClinVar:

NM_053025.4(MYLK):c.5119C>T (p.Arg1707Cys)

Genes: MYLK (myosin light chain kinase; minus strand), MYLK-AS1 (MYLK antisense RNA 1; plus strand). Cytogenetic location: 3q21.1.
Variant type: single nucleotide variant.
Coding change: c.5119C>T on transcript NM_053025.4 (MANE Select); coding-DNA position 5119, C replaced by T.
Protein change: p.Arg1707Cys; replaces arginine 1707 with cysteine.
Molecular consequence: missense variant.
Genome position (GRCh38, 1-based): chr3:123,626,937, G>A on the plus strand (C>T on the coding strand, the complement: MYLK is on the minus strand). VCF-style: chr3-123626937-G-A. GRCh37 (hg19) VCF-style: chr3-123345784-G-A.
Other names: c.4591C>T, p.Arg1531Cys (NM_001321309.2); c.4912C>T, p.Arg1638Cys (NM_053026.4); c.4966C>T, p.Arg1656Cys (NM_053027.4); c.4759C>T, p.Arg1587Cys (NM_053028.4); short protein forms R1707C, R1656C, R1531C, R1587C, R1638C.
Identifiers: ClinVar variation 409683 (VCV000409683.10), dbSNP rs1060502530, ClinGen allele CA16611324.

ClinVar aggregate classification (germline): Uncertain significance. Review status: criteria provided, multiple submitters, no conflicts (2 of 4 stars). 3 submissions from 3 submitters: Uncertain significance (3). Last evaluated 2026-06-03.

Conditions:
Aortic aneurysm, familial thoracic 7 (AAT7). Also called: AORTIC DISSECTION, FAMILIAL, WITH OR WITHOUT AORTIC ANEURYSM. Identifiers: MedGen C3151077, MONDO:0013418, OMIM 613780.
Familial thoracic aortic aneurysm and aortic dissection (TAAD). Also called: Thoracic aortic aneurysms and dissections. Identifiers: Orphanet 91387, MedGen C4707243, MONDO:0019625.

Allele frequency attached by ClinVar (database versions not stated): gnomAD exomes below 0.00001; gnomAD 0.00001.
gnomAD v4.1: 2 of 1,614,006 alleles (0.00012%); highest among the groups gnomAD compares: African/African-American, 0.0013%; no homozygotes.

Submissions (3):

Ambry Genetics
Classification: Uncertain significance for Familial thoracic aortic aneurysm and aortic dissection. Last evaluated: 2026-06-03. Review status: criteria provided, single submitter. Criteria: Ambry Variant Classification Scheme 2023. Collection method: clinical testing. Allele origin: germline.
Comment: The c.5119C>T (p.R1707C) alteration is located in exon 31 (coding exon 28) of the MYLK gene. This alteration results from a C to T substitution at nucleotide position 5119, causing the arginine (R) at amino acid position 1707 to be replaced by a cysteine (C). Based on data from gnomAD, the T allele has an overall frequency of 0.003% (1/31394) total alleles studied. The highest observed frequency was 0.012% (1/8712) of African alleles. Based on insufficient or conflicting evidence, the clinical significance of this alteration remains unclear.

Centre of Medical Genetics, University of Antwerp
Classification: Uncertain significance for Familial thoracic aortic aneurysm and aortic dissection. Last evaluated: 2024-09-06. Review status: criteria provided, single submitter. Criteria: ACMG Guidelines, 2015. Collection method: clinical testing. Allele origin: germline. Affected: yes.

Labcorp Genetics (formerly Invitae), Labcorp
Classification: Uncertain significance for Aortic aneurysm, familial thoracic 7. Last evaluated: 2022-10-25. Review status: criteria provided, single submitter. Criteria: Invitae Variant Classification Sherloc (09022015). Collection method: clinical testing. Allele origin: germline.
Comment: This variant is present in population databases (no rsID available, gnomAD 0.01%). In summary, the available evidence is currently insufficient to determine the role of this variant in disease. Therefore, it has been classified as a Variant of Uncertain Significance. Advanced modeling of protein sequence and biophysical properties (such as structural, functional, and spatial information, amino acid conservation, physicochemical variation, residue mobility, and thermodynamic stability) performed at Invitae indicates that this missense variant is not expected to disrupt MYLK protein function. ClinVar contains an entry for this variant (Variation ID: 409683). This variant has not been reported in the literature in individuals affected with MYLK-related conditions. This sequence change replaces arginine, which is basic and polar, with cysteine, which is neutral and slightly polar, at codon 1707 of the MYLK protein (p.Arg1707Cys).